The following is an entry in ClinVar:

NM_000535.7(PMS2):c.943C>A (p.Arg315=)

Gene: PMS2 (PMS1 homolog 2, mismatch repair system component; minus strand). Cytogenetic location: 7p22.1.
Variant type: single nucleotide variant.
Coding change: c.943C>A on transcript NM_000535.7 (MANE Select); coding-DNA position 943, C replaced by A.
Protein change: p.Arg315=; no amino-acid change (arginine 315 retained).
Molecular consequence: synonymous variant. On other transcripts: non-coding transcript variant (1), intron variant (1).
Genome position (GRCh38, 1-based): chr7:5,992,018, G>T on the plus strand (C>A on the coding strand, the complement: PMS2 is on the minus strand). VCF-style: chr7-5992018-G-T. GRCh37 (hg19) VCF-style: chr7-6031649-G-T.
Other names: c.538C>A, p.Arg180= (NM_001018040.1, NM_001322003.2, NM_001322004.2 and 20 more transcripts); c.943C>A, p.Arg315= (NM_001322006.2, NM_001322014.2, NM_001406870.1 and 2 more transcripts); c.625C>A, p.Arg209= (NM_001322007.2, NM_001322008.2, NM_001406876.1 and 4 more transcripts); c.10C>A, p.Arg4= (NM_001322011.2, NM_001322012.2); c.370C>A, p.Arg124= (NM_001322013.2, NM_001406909.1); c.634C>A, p.Arg212= (NM_001322015.2, NM_001406900.1, NM_001406875.1 and 6 more transcripts); c.1129C>A, p.Arg377= (NM_001406866.1); c.967C>A, p.Arg323= (NM_001406868.1); and 8 more.
Identifiers: ClinVar variation 2451584 (VCV002451584.3), dbSNP rs200640585, ClinGen allele CA453645248.

ClinVar aggregate classification (germline): Benign/Likely benign. Review status: criteria provided, multiple submitters, no conflicts (2 of 4 stars). 2 submissions from 2 submitters: Benign (1); Likely benign (1). Last evaluated 2025-01-29.

Conditions:
Lynch syndrome 4 (LYNCH4). Also called: Colorectal cancer, hereditary nonpolyposis, type 4; Hereditary non-polyposis colorectal cancer, type 4. Identifiers: Orphanet 144, MedGen C1838333, MONDO:0013699, OMIM 614337. Disease mechanism: loss of function.
Hereditary cancer-predisposing syndrome. Also called: Neoplastic Syndromes, Hereditary; Tumor predisposition; Hereditary neoplastic syndrome; Hereditary Cancer Syndrome. Identifiers: Orphanet 140162, MedGen C0027672, MeSH D009386, MONDO:0015356.

Submissions (2):

Myriad Genetics, Inc.
Classification: Benign for Lynch syndrome 4. Last evaluated: 2025-01-29. Review status: criteria provided, single submitter. Criteria: Myriad Autosomal Dominant, Autosomal Recessive and X-Linked Classification Criteria (2023). Collection method: clinical testing. Allele origin: unknown.
Comment: This variant is considered benign. This variant is a silent/synonymous amino acid change and it is not expected to impact splicing.

Ambry Genetics
Classification: Likely benign for Hereditary cancer-predisposing syndrome. Last evaluated: 2022-11-04. Review status: criteria provided, single submitter. Criteria: Ambry Variant Classification Scheme 2023. Collection method: clinical testing. Allele origin: germline.